The following is an entry in ClinVar:

NM_001042492.3(NF1):c.3803C>G (p.Ala1268Gly)

Gene: NF1 (neurofibromin 1; plus strand). Cytogenetic location: 17q11.2.
Variant type: single nucleotide variant.
Coding change: c.3803C>G on transcript NM_001042492.3 (MANE Select); coding-DNA position 3803, C replaced by G.
Protein change: p.Ala1268Gly; replaces alanine 1268 with glycine.
Molecular consequence: missense variant.
Genome position (GRCh38, 1-based): chr17:31,235,705, C>G. VCF-style: chr17-31235705-C-G. GRCh37 (hg19) VCF-style: chr17-29562723-C-G.
Other names: c.3803C>G, p.Ala1268Gly (NM_000267.4); short protein forms A1268G.
Identifiers: ClinVar variation 942792 (VCV000942792.6), dbSNP rs2067188136, ClinGen allele CA398992664.

ClinVar aggregate classification (germline): Uncertain significance (1 of 4 stars; one submission).

Conditions:
Neurofibromatosis, type 1 (NF1). Also called: Peripheral type neurofibromatosis; Neurofibromatosis, type I; VON RECKLINGHAUSEN DISEASE; NEUROFIBROMATOSIS, TYPE I, SOMATIC. Identifiers: Orphanet 636, MedGen C0027831, MONDO:0018975, OMIM 162200. Disease mechanism: loss of function.

Submission:

Labcorp Genetics (formerly Invitae), Labcorp
Classification: Uncertain significance for Neurofibromatosis, type 1. Last evaluated: 2019-06-20. Review status: criteria provided, single submitter. Criteria: Invitae Variant Classification Sherloc (09022015). Collection method: clinical testing. Allele origin: germline.
Comment: In summary, the available evidence is currently insufficient to determine the role of this variant in disease. Therefore, it has been classified as a Variant of Uncertain Significance. This sequence change replaces alanine with glycine at codon 1268 of the NF1 protein (p.Ala1268Gly). The alanine residue is highly conserved and there is a small physicochemical difference between alanine and glycine. This variant is not present in population databases (ExAC no frequency). This variant has not been reported in the literature in individuals with NF1-related conditions. Algorithms developed to predict the effect of missense changes on protein structure and function are either unavailable or do not agree on the potential impact of this missense change (SIFT: "Deleterious"; PolyPhen-2: "Probably Damaging"; Align-GVGD: "Class C0").